The following is an entry in ClinVar:

ClinVar aggregate classification (germline): Uncertain significance (1 of 4 stars; one submission).

Conditions:
Fanconi anemia (FA). Also called: Fanconi's anemia. Identifiers: Orphanet 84, MedGen C0015625, MeSH D005199, MONDO:0019391.

gnomAD v4.1: 2 of 1,613,956 alleles (0.00012%); highest among the groups gnomAD compares: African/African-American, 0.0013%; no homozygotes.

Submission:

Labcorp Genetics (formerly Invitae), Labcorp
Classification: Uncertain significance for Fanconi anemia. Last evaluated: 2018-06-18. Review status: criteria provided, single submitter. Criteria: Invitae Variant Classification Sherloc (09022015). Collection method: clinical testing. Allele origin: germline.
Comment: This sequence change replaces serine with threonine at codon 82 of the FANCA protein (p.Ser82Thr). The serine residue is weakly conserved and there is a small physicochemical difference between serine and threonine. This variant is not present in population databases (ExAC no frequency). In summary, the available evidence is currently insufficient to determine the role of this variant in disease. Therefore, it has been classified as a Variant of Uncertain Significance. Algorithms developed to predict the effect of missense changes on protein structure and function (SIFT, PolyPhen-2, Align-GVGD) all suggest that this variant is likely to be tolerated, but these predictions have not been confirmed by published functional studies and their clinical significance is uncertain. This variant has not been reported in the literature in individuals with FANCA-related disease.

NM_000135.4(FANCA):c.245G>C (p.Ser82Thr)

Gene: FANCA (FA complementation group A; minus strand). Cytogenetic location: 16q24.3.
Variant type: single nucleotide variant.
Coding change: c.245G>C on transcript NM_000135.4 (MANE Select); coding-DNA position 245, G replaced by C.
Protein change: p.Ser82Thr; replaces serine 82 with threonine.
Molecular consequence: missense variant.
Genome position (GRCh38, 1-based): chr16:89,814,558, C>G on the plus strand (G>C on the coding strand, the complement: FANCA is on the minus strand). VCF-style: chr16-89814558-C-G. GRCh37 (hg19) VCF-style: chr16-89880966-C-G.
Other names: c.245G>C (LRG_495t1); c.245G>C, p.Ser82Thr (NM_001018112.3, NM_001286167.3, NM_001351830.2); short protein forms S82T.
Identifiers: ClinVar variation 575913 (VCV000575913.8), dbSNP rs1459045387, ClinGen allele CA397482499.